The following is an entry in ClinVar:

NM_000156.6(GAMT):c.224C>T (p.Ala75Val)

Gene: GAMT (guanidinoacetate N-methyltransferase; minus strand). Cytogenetic location: 19p13.3.
Variant type: single nucleotide variant.
Coding change: c.224C>T on transcript NM_000156.6 (MANE Select); coding-DNA position 224, C replaced by T.
Protein change: p.Ala75Val; replaces alanine 75 with valine.
Molecular consequence: missense variant.
Genome position (GRCh38, 1-based): chr19:1,399,896, G>A on the plus strand (C>T on the coding strand, the complement: GAMT is on the minus strand). VCF-style: chr19-1399896-G-A. GRCh37 (hg19) VCF-style: chr19-1399895-G-A.
Other names: NM_000156.6(GAMT):c.224C>T; p.Ala75Val; c.224C>T, p.Ala75Val (NM_138924.3); short protein forms A75V.
Identifiers: ClinVar variation 544251 (VCV000544251.17), dbSNP rs1441030187, ClinGen allele CA402996954.

ClinVar aggregate classification (germline): Pathogenic. Review status: reviewed by expert panel (3 of 4 stars). 9 submissions from 9 submitters: Pathogenic (1). 8 of the submissions do not count toward it. Last evaluated 2023-03-09.

Conditions:
Cerebral creatine deficiency syndrome. Also called: Creatine deficiency syndromes. Identifiers: Orphanet 79172, MedGen C5244016, MONDO:0000456.
GAMT-related disorder. Also called: GAMT-related condition.
Deficiency of guanidinoacetate methyltransferase (CCDS2). Also called: CEREBRAL CREATINE DEFICIENCY SYNDROME 2; Guanidinoacetate Methyltransferase (GAMT) Deficiency; GAMT DEFICIENCY. Identifiers: Orphanet 382, MedGen C0574080, MONDO:0012999, OMIM 612736.

Allele frequency attached by ClinVar (database versions not stated): gnomAD 0.00001; TOPMed 0.00001; gnomAD exomes 0.00002.
gnomAD v4.1: 43 of 1,608,426 alleles (0.0027%); highest among the groups gnomAD compares: South Asian, 0.0067%; no homozygotes.

Submissions (9):

ClinGen Cerebral Creatine Deficiency Syndromes Variant Curation Expert Panel, ClinGen
Classification: Pathogenic for Deficiency of guanidinoacetate methyltransferase. Last evaluated: 2023-03-09. Review status: reviewed by expert panel. Criteria: ClinGen_CCDS_ACMG_Specifications_GAMT_v1.1. Collection method: curation. Allele origin: germline. Inheritance: Autosomal recessive inheritance.
Comment: The NM_000156.6:c.224C>T variant in GAMT is a missense variant that is predicted to result in the substitution of alanine by valine at amino acid 75 (p.Ala75Val). One patient, with mild intellectual disability, anti-epileptic drug-responsive seizures, and stereotypic movements has been reported with creatine and guanidinoacetate peak absent on MRS, bilateral thalami increased on MRI, and urine guanidinoacetate levels between 1.1 and 12 times above the upper limit of reference range (PP4_Strong). This individual is homozygous for the variant (PM3_Supporting). The highest population minor allele frequency in gnomAD v2.1.1 is 0.00007 (1/15028 alleles) in the African population, which is lower than the ClinGen CCDS VCEP’s threshold for PM2_Supporting (<0.0004), meeting this criterion (PM2_Supporting). GAMT-deficient fibroblasts transfected with the variant showed <15% wild-type enzyme activity (PMID: 24415674). The computational predictor REVEL gives a score of 0.86 which is above the threshold of 0.75, evidence that correlates with impact to GAMT function (PP3). There is a ClinVar entry for this variant (Variation ID: 544251). In summary, this variant meets the criteria to be classified as pathogenic for GAMT deficiency based on the ACMG/AMP criteria applied, as specified by the ClinGen Cerebral Creatine Deficiency Syndromes Variant Curation Expert Panel (Specifications Version 1.1.0): PP4_Strong, PP3, PS3_Supporting, PM2_Supporting, PM3_Supporting.

Natera, Inc.
Classification: Likely pathogenic for Guanidinoacetate methyltransferase deficiency. Last evaluated: 2025-12-10. Review status: criteria provided, single submitter. Criteria: Natera Variant Classification Schema (03/2026). Collection method: clinical testing. Allele origin: germline. Not counted in ClinVar's aggregate classification.
Comment: The c.224C>T variant in GAMT is a missense variant predicted to cause substitution of alanine to valine at amino acid 75. This variant is rare in the general population with a frequency below the threshold expected for the associated phenotype(s). This variant has been observed in one or more individuals affected with the associated recessive disease, as either homozygous or compound heterozygous with a second variant (PMID: 24415674). Functional studies show that this variant may disrupt protein function (PMID: 24415674). Computational prediction algorithms indicate this variant is likely to affect gene or protein function. Given the available evidence, this variant is classified as Likely Pathogenic.

PreventionGenetics, part of Exact Sciences
Classification: Pathogenic for GAMT-related condition. Last evaluated: 2024-10-27. Review status: criteria provided, single submitter. Criteria: ACMG Guidelines, 2015. Collection method: clinical testing. Allele origin: germline. Not counted in ClinVar's aggregate classification.
Comment: The GAMT c.224C>T variant is predicted to result in the amino acid substitution p.Ala75Val. This variant has been reported in a homozygous individual presenting with guanidinoacetate methyltransferase deficiency (Mercimek-Mahmutoglu et al. 2014. PubMed ID: 24415674) and in an individuals with a epilepsy and neurodevelopmental disorder phenotype (Table S4, Lindy et al. 2018. PubMed ID: 29655203). This variant is reported in 0.0067% of alleles in individuals of African descent in gnomAD. This variant has been reviewed by an expert panel and is classified as Pathogenic in ClinVar by ClinGen. Taken together, we interpret this variant as pathogenic.

Women's Health and Genetics/Laboratory Corporation of America, LabCorp
Classification: Likely pathogenic for Deficiency of guanidinoacetate methyltransferase. Last evaluated: 2024-09-09. Review status: criteria provided, single submitter. Criteria: LabCorp Variant Classification Summary - May 2015. Collection method: clinical testing. Allele origin: germline. Not counted in ClinVar's aggregate classification.
Comment: Variant summary: GAMT c.224C>T (p.Ala75Val) results in a non-conservative amino acid change located in the Arginine N-methyltransferase 2-like domain (IPR026480) of the encoded protein sequence. Five of five in-silico tools predict a damaging effect of the variant on protein function. The variant allele was found at a frequency of 2.1e-05 in 239744 control chromosomes. c.224C>T has been reported in the literature in a homozygous individual affected with Guanidinoactetate Methyltransferase Deficiency (Mercimek-Mahmutoglu_2014) and was identified in as an unspecified genotype in an individual undergoing multigene panel testing for epilepsy and neurodevelopmental disorders, although no further clinical information was provided (Lindy_2018) . These data indicate that the variant may be associated with disease. At least one publication reports experimental evidence evaluating an impact on protein function. The variant exhibited <4% activity versus the WT protein when transfected into a GAMT-deficient human fibroblast cell line (Mercimek-Mahmutoglu_2014). The following publications have been ascertained in the context of this evaluation (PMID: 29655203, 24415674). ClinVar contains an entry for this variant (Variation ID: 544251). Based on the evidence outlined above, the variant was classified as likely pathogenic.

Fulgent Genetics
Classification: Likely pathogenic for Deficiency of guanidinoacetate methyltransferase. Last evaluated: 2024-04-07. Review status: criteria provided, single submitter. Criteria: ACMG Guidelines, 2015. Collection method: clinical testing. Allele origin: germline. Not counted in ClinVar's aggregate classification.

Revvity Omics, Revvity
Classification: Likely pathogenic for Deficiency of guanidinoacetate methyltransferase. Last evaluated: 2023-12-28. Review status: criteria provided, single submitter. Criteria: ACMG Guidelines, 2015. Collection method: clinical testing. Allele origin: germline. Not counted in ClinVar's aggregate classification.

Blueprint Genetics
Classification: Likely pathogenic for GAMT-related disorders. Last evaluated: 2023-10-12. Review status: criteria provided, single submitter. Criteria: ACMG Guidelines, 2015. Collection method: clinical testing. Allele origin: germline. Affected: yes. Observed: 3 variant alleles. Not counted in ClinVar's aggregate classification.

Labcorp Genetics (formerly Invitae), Labcorp
Classification: Uncertain significance for Cerebral creatine deficiency syndrome. Last evaluated: 2022-06-02. Review status: criteria provided, single submitter. Criteria: Invitae Variant Classification Sherloc (09022015). Collection method: clinical testing. Allele origin: germline. Not counted in ClinVar's aggregate classification.
Comment: This sequence change replaces alanine, which is neutral and non-polar, with valine, which is neutral and non-polar, at codon 75 of the GAMT protein (p.Ala75Val). This variant is present in population databases (no rsID available, gnomAD 0.007%). This missense change has been observed in individual(s) with a positive newborn screening result for GAMT-related disease (PMID: 24415674). ClinVar contains an entry for this variant (Variation ID: 544251). Algorithms developed to predict the effect of missense changes on protein structure and function are either unavailable or do not agree on the potential impact of this missense change (SIFT: "Deleterious"; PolyPhen-2: "Probably Damaging"; Align-GVGD: "Class C15"). Experimental studies have shown that this missense change affects GAMT function (PMID: 24415674). In summary, the available evidence is currently insufficient to determine the role of this variant in disease. Therefore, it has been classified as a Variant of Uncertain Significance.

Broad Center for Mendelian Genomics, Broad Institute of MIT and Harvard
Classification: Likely pathogenic for Cerebral creatine deficiency syndrome. Last evaluated: 2021-11-02. Review status: criteria provided, single submitter. Criteria: ACMG Guidelines, 2015. Collection method: curation. Allele origin: germline. Inheritance: Autosomal recessive inheritance. Not counted in ClinVar's aggregate classification.
Comment: The p.Ala75Val variant in GAMT has been reported in 1 homozygous individual with cerebral creatine deficiency syndrome (PMID: 24415674) and has been identified in 0.007% (1/15028) of African/African-American chromosomes by the Genome Aggregation Database (gnomAD; dbSNP ID: rs1441030187). Although this variant has been seen in the general population in a heterozygous state, its frequency is low enough to be consistent with a recessive carrier frequency. This variant has also been reported in ClinVar (Variation ID#: 544251) and has been interpreted as VUS by Invitae. In vitro functional studies provide some evidence that the p.Ala75Val variant may slightly impact protein function (PMID: 24415674). However, these types of assays may not accurately represent biological function. Computational prediction tools and conservation analyses suggest that this variant may impact the protein. The phenotype of individuals homozygous or compound heterozygous for this variant is highly specific for cerebral creatine deficiency syndrome based on strict biochemical investigations consistent with disease (PMID: 24415674). In summary, although additional studies are required to fully establish its clinical significance, this variant is likely pathogenic for autosomal recessive cerebral creatine deficiency syndrome. ACMG/AMP Criteria applied: PM3_supporting, PM2_supporting, PS3_supporting, PP3, PP4_strong (Richards 2015).

Literature cited by the submitters: PubMed 24415674 (cited by 3 submitters); PubMed 29655203 (cited by Women's Health and Genetics/Laboratory Corporation of America, LabCorp).